The following is an entry in ClinVar:

ClinVar aggregate classification (germline): Uncertain significance (1 of 4 stars; one submission).

Conditions:
Charcot-Marie-Tooth disease type 2. Also called: Charcot-Marie-Tooth type 2. Identifiers: Orphanet 64746, MedGen C0270914, MONDO:0018993.

Allele frequency attached by ClinVar (database versions not stated): ExAC 0.00002.
gnomAD v4.1: 5 of 1,614,248 alleles (0.00031%); highest among the groups gnomAD compares: Admixed American, 0.0017%; no homozygotes.

Submission:

Labcorp Genetics (formerly Invitae), Labcorp
Classification: Uncertain significance for Charcot-Marie-Tooth disease type 2. Last evaluated: 2022-02-20. Review status: criteria provided, single submitter. Criteria: Invitae Variant Classification Sherloc (09022015). Collection method: clinical testing. Allele origin: germline.
Comment: In summary, the available evidence is currently insufficient to determine the role of this variant in disease. Therefore, it has been classified as a Variant of Uncertain Significance. Algorithms developed to predict the effect of missense changes on protein structure and function are either unavailable or do not agree on the potential impact of this missense change (SIFT: "Deleterious"; PolyPhen-2: "Benign"; Align-GVGD: "Class C0"). This variant has not been reported in the literature in individuals affected with BSCL2-related conditions. This variant is present in population databases (rs144725547, gnomAD 0.003%). This sequence change replaces arginine, which is basic and polar, with threonine, which is neutral and polar, at codon 277 of the BSCL2 protein (p.Arg277Thr).

NM_001122955.4(BSCL2):c.1022G>C (p.Arg341Thr)

Genes: BSCL2 (BSCL2 lipid droplet biogenesis associated, seipin; minus strand), HNRNPUL2-BSCL2 (HNRNPUL2-BSCL2 readthrough (NMD candidate); minus strand). Cytogenetic location: 11q12.3.
Variant type: single nucleotide variant.
Coding change: c.1022G>C on transcript NM_001122955.4 (MANE Select); coding-DNA position 1022, G replaced by C.
Protein change: p.Arg341Thr; replaces arginine 341 with threonine.
Molecular consequence: missense variant. On other transcripts: non-coding transcript variant (1).
Genome position (GRCh38, 1-based): chr11:62,691,125, C>G on the plus strand (G>C on the coding strand, the complement: BSCL2 is on the minus strand). VCF-style: chr11-62691125-C-G. GRCh37 (hg19) VCF-style: chr11-62458597-C-G.
Other names: c.688G>C, p.Glu230Gln (NM_001130702.2); c.1022G>C, p.Arg341Thr (NM_001386027.1, NM_001386028.1); c.830G>C, p.Arg277Thr (NM_032667.6); short protein forms E230Q, R277T, R341T.
Identifiers: ClinVar variation 2145402 (VCV002145402.4), dbSNP rs144725547, ClinGen allele CA6053359.